The following is an entry in ClinVar:

NM_020706.2(SCAF4):c.2746G>A (p.Val916Ile)

Gene: SCAF4 (SR-related CTD associated factor 4; minus strand). Cytogenetic location: 21q22.11.
Variant type: single nucleotide variant.
Coding change: c.2746G>A on transcript NM_020706.2 (MANE Select); coding-DNA position 2746, G replaced by A.
Protein change: p.Val916Ile; replaces valine 916 with isoleucine.
Molecular consequence: missense variant.
Genome position (GRCh38, 1-based): chr21:31,672,097, C>T on the plus strand (G>A on the coding strand, the complement: SCAF4 is on the minus strand). VCF-style: chr21-31672097-C-T. GRCh37 (hg19) VCF-style: chr21-33044410-C-T.
Other names: c.2701G>A, p.Val901Ile (NM_001145444.1); c.2680G>A, p.Val894Ile (NM_001145445.1); short protein forms V894I, V901I, V916I.
Identifiers: ClinVar variation 1331572 (VCV001331572.5), dbSNP rs753776017, ClinGen allele CA9999173.

ClinVar aggregate classification (germline): Uncertain significance. Review status: criteria provided, multiple submitters, no conflicts (2 of 4 stars). 2 submissions from 2 submitters: Uncertain significance (2). Last evaluated 2025-01-22.

Conditions:
Inborn genetic diseases. Identifiers: MedGen C0950123, MeSH D030342.

Allele frequency attached by ClinVar (database versions not stated): gnomAD exomes below 0.00001; ExAC 0.00001.
gnomAD v4.1: 5 of 1,613,222 alleles (0.00031%); highest among the groups gnomAD compares: Admixed American, 0.0017%; no homozygotes.

Submissions (2):

Ambry Genetics
Classification: Uncertain significance for Inborn genetic diseases. Last evaluated: 2025-01-22. Review status: criteria provided, single submitter. Criteria: Ambry Variant Classification Scheme 2023. Collection method: clinical testing. Allele origin: germline.

Greenwood Genetic Center Diagnostic Laboratories, Greenwood Genetic Center
Classification: Uncertain significance. Last evaluated: 2021-01-05. Review status: criteria provided, single submitter. Criteria: ACMG Guidelines, 2015. Collection method: clinical testing. Allele origin: germline. Affected: yes.
Comment: PM2